The following is an entry in ClinVar:

NM_017514.5(PLXNA3):c.2059C>T (p.Leu687=)

Gene: PLXNA3 (plexin A3; plus strand). Cytogenetic location: Xq28.
Variant type: single nucleotide variant.
Coding change: c.2059C>T on transcript NM_017514.5 (MANE Select); coding-DNA position 2059, C replaced by T.
Protein change: p.Leu687=; no amino-acid change (leucine 687 retained).
Molecular consequence: synonymous variant.
Genome position (GRCh38, 1-based): chrX:154,465,033, C>T. VCF-style: chrX-154465033-C-T. GRCh37 (hg19) VCF-style: chrX-153693376-C-T.
Identifiers: ClinVar variation 2661836 (VCV002661836.24), dbSNP rs781961678, ClinGen allele CA10564269.
Genomic context (GRCh38, chrX:154,465,033, plus strand): 5'-GAGAAGGGTGGCCCTGTGTGCAGCTGACAGGTGCTTTCCCCGCAGGGCTGCCCTGAGATC[C>T]TGCCCAGTGGGGACCTCCTGATCCCCGTTGGGGTCATGCAGCCTCTTACCTTGCGGGCTA-3'
Protein context (NP_059984.3, residues 677-697): VHSPEGCPEI[Leu687=]PSGDLLIPVG

ClinVar aggregate classification (germline): Likely benign (1 of 4 stars; one submission).

Allele frequency attached by ClinVar (database versions not stated): TOPMed below 0.00001; gnomAD exomes 0.00001; ExAC 0.00002.
gnomAD v4.1: 8 of 1,205,429 alleles (0.00066%); highest among the groups gnomAD compares: South Asian, 0.012%; no homozygotes.

Submission:

CeGaT Center for Human Genetics Tuebingen
Classification: Likely benign. Last evaluated: 2022-05-01. Review status: criteria provided, single submitter. Criteria: CeGaT Center For Human Genetics Tuebingen Variant Classification Criteria Version 2. Collection method: clinical testing. Allele origin: germline. Affected: yes. Observed: 1 variant allele.
Comment: PLXNA3: BP4, BP7